The following is an entry in ClinVar:

ClinVar aggregate classification (germline): Uncertain significance (1 of 4 stars; one submission).

Submission:

Labcorp Genetics (formerly Invitae), Labcorp
Classification: Uncertain significance. Last evaluated: 2024-01-18. Review status: criteria provided, single submitter. Criteria: Invitae Variant Classification Sherloc (09022015). Collection method: clinical testing. Allele origin: germline.
Comment: This sequence change creates a premature translational stop signal (p.Leu574Serfs*6) in the DEF6 gene. While this is not anticipated to result in nonsense mediated decay, it is expected to disrupt the last 58 amino acid(s) of the DEF6 protein. This variant is not present in population databases (gnomAD no frequency). This variant has not been reported in the literature in individuals affected with DEF6-related conditions. In summary, the available evidence is currently insufficient to determine the role of this variant in disease. Therefore, it has been classified as a Variant of Uncertain Significance.

NM_022047.4(DEF6):c.1718dup (p.Leu574fs)

Gene: DEF6 (DEF6 guanine nucleotide exchange factor; plus strand). Cytogenetic location: 6p21.31.
Variant type: Duplication.
Coding change: c.1718dup on transcript NM_022047.4 (MANE Select); coding-DNA position 1718, one base duplicated (C; older notation c.1718dupC).
Protein change: p.Leu574fs; shifts the reading frame from leucine 574.
Molecular consequence: frameshift variant.
Genome position (GRCh38, 1-based): chr6:35,321,232, C duplicated; the last of 5 consecutive C bases (chr6:35,321,228-35,321,232); duplicating any one gives the same sequence. VCF-style (leftmost placement, unchanged base first): chr6-35321227-G-GC. GRCh37 (hg19) VCF-style: chr6-35289004-G-GC.
Other names: short protein forms L574fs.
Identifiers: ClinVar variation 2710159 (VCV002710159.3), dbSNP rs2534194380, ClinGen allele CA2578593661.
Genomic context (GRCh38, chr6:35,321,227, plus strand): 5'-GCCTGCCTTCTCTCTGCCAGATAAGCGTCCGGTCACCAGCAGCTCCTTCTCAGGCTTCCA[G>GC]CCCCCTCTGCTTGCCCACCGTGACTCCTCCCTAAAGCGCCTGACCCGCTGGGGATCCCAG-3'